The following is an entry in ClinVar:

NM_000883.4(IMPDH1):c.1526G>A (p.Ser509Asn)

Gene: IMPDH1 (inosine monophosphate dehydrogenase 1; minus strand). Cytogenetic location: 7q32.1.
Variant type: single nucleotide variant.
Coding change: c.1526G>A on transcript NM_000883.4 (MANE Select); coding-DNA position 1526, G replaced by A.
Protein change: p.Ser509Asn; replaces serine 509 with asparagine.
Molecular consequence: missense variant.
Genome position (GRCh38, 1-based): chr7:128,394,913, C>T on the plus strand (G>A on the coding strand, the complement: IMPDH1 is on the minus strand). VCF-style: chr7-128394913-C-T. GRCh37 (hg19) VCF-style: chr7-128034967-C-T.
Other names: c.1496G>A, p.Ser499Asn (NM_001102605.2); c.1271G>A, p.Ser424Asn (NM_001142573.2); c.1256G>A, p.Ser419Asn (NM_001142574.2); c.1196G>A, p.Ser399Asn (NM_001142575.2); c.1427G>A, p.Ser476Asn (NM_001142576.2); c.1319G>A, p.Ser440Asn (NM_001304521.2); c.1418G>A, p.Ser473Asn (NM_183243.3); short protein forms S424N, S509N, S399N, S440N, S419N, S476N, S473N, S499N.
Identifiers: ClinVar variation 969612 (VCV000969612.9), dbSNP rs1797804625, ClinGen allele CA369162747.

ClinVar aggregate classification (germline): Uncertain significance (1 of 4 stars; one submission).

Submission:

Labcorp Genetics (formerly Invitae), Labcorp
Classification: Uncertain significance. Last evaluated: 2020-08-26. Review status: criteria provided, single submitter. Criteria: Invitae Variant Classification Sherloc (09022015). Collection method: clinical testing. Allele origin: germline.
Comment: In summary, the available evidence is currently insufficient to determine the role of this variant in disease. Therefore, it has been classified as a Variant of Uncertain Significance. Algorithms developed to predict the effect of missense changes on protein structure and function (SIFT, PolyPhen-2, Align-GVGD) all suggest that this variant is likely to be tolerated, but these predictions have not been confirmed by published functional studies and their clinical significance is uncertain. This variant has not been reported in the literature in individuals with IMPDH1-related conditions. This variant is not present in population databases (ExAC no frequency). This sequence change replaces serine with asparagine at codon 509 of the IMPDH1 protein (p.Ser509Asn). The serine residue is weakly conserved and there is a small physicochemical difference between serine and asparagine.